The following is an entry in ClinVar:

NM_032608.7(MYO18B):c.4582G>A (p.Glu1528Lys)

Genes: MYO18B (myosin XVIIIB; plus strand), MYO18B-AS1 (MYO18B antisense RNA 1; minus strand). Cytogenetic location: 22q12.1.
Variant type: single nucleotide variant.
Coding change: c.4582G>A on transcript NM_032608.7 (MANE Select); coding-DNA position 4582, G replaced by A.
Protein change: p.Glu1528Lys; replaces glutamic acid 1528 with lysine.
Molecular consequence: missense variant.
Genome position (GRCh38, 1-based): chr22:25,895,194, G>A. VCF-style: chr22-25895194-G-A. GRCh37 (hg19) VCF-style: chr22-26291161-G-A.
Other names: c.4585G>A, p.Glu1529Lys (NM_001318245.2); short protein forms E1528K, E1529K.
Identifiers: ClinVar variation 5019295 (VCV005019295.2).

ClinVar aggregate classification (germline): Uncertain significance (1 of 4 stars; one submission).

Conditions:
Klippel-Feil anomaly-myopathy-facial dysmorphism syndrome. Also called: Klippel-Feil syndrome 4, autosomal recessive, with myopathy and facial dysmorphism; Klippel-feil syndrome 4, autosomal recessive, with nemaline myopathy and facial dysmorphism. Identifiers: Orphanet 447974, MedGen C4225285, MONDO:0014689, OMIM 616549.

gnomAD v4.1: 22 of 1,611,988 alleles (0.0014%); highest among the groups gnomAD compares: East Asian, 0.049%; no homozygotes.

Submission:

Juno Genomics, Hangzhou Juno Genomics, Inc
Classification: Uncertain significance for Klippel-Feil anomaly-myopathy-facial dysmorphism syndrome. Review status: criteria provided, single submitter. Criteria: ACMG Guidelines, 2015. Collection method: clinical testing. Allele origin: germline.
Comment: Absent from controls (or at extremely low frequency if recessive) in Genome Aggregation Database.;Multiple lines of computational evidence support a deleterious effect on the gene or gene product.